The following is an entry in ClinVar:

NM_007055.4(POLR3A):c.1824C>T (p.Ser608=)

Gene: POLR3A (RNA polymerase III subunit A; minus strand). Cytogenetic location: 10q22.3.
Variant type: single nucleotide variant.
Coding change: c.1824C>T on transcript NM_007055.4 (MANE Select); coding-DNA position 1824, C replaced by T.
Protein change: p.Ser608=; no amino-acid change (serine 608 retained).
Molecular consequence: synonymous variant.
Genome position (GRCh38, 1-based): chr10:78,009,622, G>A on the plus strand (C>T on the coding strand, the complement: POLR3A is on the minus strand). VCF-style: chr10-78009622-G-A. GRCh37 (hg19) VCF-style: chr10-79769380-G-A.
Identifiers: ClinVar variation 878953 (VCV000878953.17), dbSNP rs376895980, ClinGen allele CA5571302.

ClinVar aggregate classification (germline): Conflicting classifications of pathogenicity. Review status: criteria provided, conflicting classifications (1 of 4 stars). 3 submissions from 3 submitters: Uncertain significance (1); Likely benign (2). Last evaluated 2025-11-01.

Conditions:
Leukodystrophy, hypomyelinating, 7, with or without oligodontia and/or hypogonadotropic hypogonadism (HLD7). Also called: LEUKODYSTROPHY, HYPOMYELINATING, 7, WITH OLIGODONTIA; LEUKODYSTROPHY, HYPOMYELINATING, 7, WITH OLIGODONTIA AND HYPOGONADOTROPIC HYPOGONADISM; LEUKODYSTROPHY, HYPOMYELINATING, 7, WITHOUT OLIGODONTIA OR HYPOGONADOTROPIC HYPOGONADISM; LEUKOENCEPHALOPATHY, HYPOMYELINATING, WITH ATAXIA AND DELAYED DENTITION; ATAXIA, DELAYED DENTITION, AND HYPOMYELINATION; Ataxia, Delayed Dentition and Hypomyelination (ADDH). Identifiers: Orphanet 137639, Orphanet 447893, Orphanet 447896, Orphanet 77295, Orphanet 88637, MedGen CN034185, MONDO:0011897, OMIM 607694.

Allele frequency attached by ClinVar (database versions not stated): gnomAD 0.00001; gnomAD exomes 0.00001 and 0.00002; TOPMed 0.00001; ExAC 0.00002; ESP Exome Variant Server 0.00008.
gnomAD v4.1: 23 of 1,613,986 alleles (0.0014%); highest among the groups gnomAD compares: Non-Finnish European, 0.0017%; no homozygotes.

Submissions (3):

CeGaT Center for Human Genetics Tuebingen
Classification: Likely benign. Last evaluated: 2025-11-01. Review status: criteria provided, single submitter. Criteria: CeGaT Center For Human Genetics Tuebingen Variant Classification Criteria Version 2. Collection method: clinical testing. Allele origin: germline. Affected: yes. Observed: 1 variant allele.
Comment: POLR3A: BP4, BP7

Labcorp Genetics (formerly Invitae), Labcorp
Classification: Likely benign. Last evaluated: 2023-07-19. Review status: criteria provided, single submitter. Criteria: Invitae Variant Classification Sherloc (09022015). Collection method: clinical testing. Allele origin: germline.

Illumina Laboratory Services, Illumina
Classification: Uncertain significance for Leukodystrophy, hypomyelinating, 7, with or without oligodontia and/or hypogonadotropic hypogonadism. Last evaluated: 2017-04-27. Review status: criteria provided, single submitter. Criteria: ICSL Variant Classification Criteria 13 December 2019. Collection method: clinical testing. Allele origin: germline.